The following is an entry in ClinVar:

NM_000142.5(FGFR3):c.2264_2265insCAC (p.Thr755_Ser756insThr)

Gene: FGFR3 (fibroblast growth factor receptor 3; plus strand). Cytogenetic location: 4p16.3.
Variant type: Insertion.
Coding change: c.2264_2265insCAC on transcript NM_000142.5 (MANE Select); coding-DNA positions 2264 to 2265, CAC inserted.
Protein change: p.Thr755_Ser756insThr.
Molecular consequence: non-coding transcript variant (on NR_148971.2).
Genome position: GRCh38 VCF-style: chr4-1806922-G-GACC. GRCh37 (hg19) VCF-style: chr4-1808649-G-GACC.
Other names: c.2270_2271insCAC, p.Thr757_Ser758insThr (NM_001163213.2); c.2267_2268insCAC, p.Thr756_Ser757insThr (NM_001354809.2); c.2196_2197insCAC, p.Asp732_Val733insHis (NM_001354810.2); c.1928_1929insCAC, p.Thr643_Ser644insThr (NM_022965.4).
Identifiers: ClinVar variation 4763309 (VCV004763309.1).

ClinVar aggregate classification (germline): Uncertain significance (1 of 4 stars; one submission).

Submission:

Labcorp Genetics (formerly Invitae), Labcorp
Classification: Uncertain significance. Last evaluated: 2025-12-26. Review status: criteria provided, single submitter. Criteria: Invitae Variant Classification Sherloc (09022015). Collection method: clinical testing. Allele origin: germline.
Comment: This variant, c.2264_2265insCAC, results in the insertion of 1 amino acid(s) of the FGFR3 protein (p.Thr755dup), but otherwise preserves the integrity of the reading frame. This variant is not present in population databases (gnomAD no frequency). This variant has not been reported in the literature in individuals affected with FGFR3-related conditions. In summary, the available evidence is currently insufficient to determine the role of this variant in disease. Therefore, it has been classified as a Variant of Uncertain Significance.